The following is an entry in ClinVar:

ClinVar aggregate classification (germline): Uncertain significance (1 of 4 stars; one submission).

Conditions:
Ullrich congenital muscular dystrophy 2 (UCMD2). Identifiers: Orphanet 75840, MedGen C4225314, MONDO:0014654, OMIM 616470.
Bethlem myopathy 2 (BTHLM2). Identifiers: Orphanet 536516, Orphanet 610, MedGen C4225313, MONDO:0034022, OMIM 616471.

Submission:

Labcorp Genetics (formerly Invitae), Labcorp
Classification: Uncertain significance for Bethlem myopathy 2; Ullrich congenital muscular dystrophy 2. Last evaluated: 2019-12-25. Review status: criteria provided, single submitter. Criteria: Invitae Variant Classification Sherloc (09022015). Collection method: clinical testing. Allele origin: germline.
Comment: Experimental studies and prediction algorithms are not available or were not evaluated, and the functional significance of this variant is currently unknown. In summary, the available evidence is currently insufficient to determine the role of this variant in disease. Therefore, it has been classified as a Variant of Uncertain Significance. This variant is not present in population databases (ExAC no frequency). This variant, c.4165_4167del, results in the deletion of 1 amino acid(s) of the COL12A1 protein (p.Ser1389del), but otherwise preserves the integrity of the reading frame. This variant has not been reported in the literature in individuals with COL12A1-related conditions.

NM_004370.6(COL12A1):c.4165_4167del (p.Ser1389del)

Gene: COL12A1 (collagen type XII alpha 1 chain; minus strand). Cytogenetic location: 6q13.
Variant type: Deletion.
Coding change: c.4165_4167del on transcript NM_004370.6 (MANE Select); coding-DNA positions 4165 to 4167, 3 bases deleted (TCT; older notation c.4165_4167delTCT).
Protein change: p.Ser1389del; deletes serine 1389.
Molecular consequence: inframe deletion.
Genome position (GRCh38, 1-based): chr6:75,148,478-75,148,480, AGA deleted on the plus strand (TCT on the coding strand, the reverse complement: COL12A1 is on the minus strand); deleting any 3 consecutive bases within chr6:75,148,478-75,148,482 gives the same sequence; the c. name uses the placement nearest the transcript's 3' end. VCF-style (leftmost placement, unchanged base first): chr6-75148477-TAGA-T. GRCh37 (hg19) VCF-style: chr6-75858193-TAGA-T.
Other names: c.673_675del, p.Ser225del (NM_080645.3); short protein forms S1389del, S225del.
Identifiers: ClinVar variation 838599 (VCV000838599.11), dbSNP rs1767315080, ClinGen allele CA916082877.